The following is an entry in ClinVar:

NM_032043.3(BRIP1):c.205+7A>C

Gene: BRIP1 (BRCA1 interacting DNA helicase 1; minus strand). Cytogenetic location: 17q23.2.
Variant type: single nucleotide variant.
Coding change: c.205+7A>C on transcript NM_032043.3 (MANE Select); 7 bases into the intron after coding-DNA position 205, A replaced by C.
Molecular consequence: intron variant.
Genome position (GRCh38, 1-based): chr17:61,859,789, T>G on the plus strand (A>C on the coding strand, the complement: BRIP1 is on the minus strand). VCF-style: chr17-61859789-T-G. GRCh37 (hg19) VCF-style: chr17-59937150-T-G.
Identifiers: ClinVar variation 3378831 (VCV003378831.1).

ClinVar aggregate classification (germline): Likely benign (1 of 4 stars; one submission).

Conditions:
Familial cancer of breast. Also called: hereditary breast carcinoma; Hereditary breast cancer; BREAST CANCER, FAMILIAL. Identifiers: Orphanet 227535, MedGen C0346153, MONDO:0016419, OMIM 114480. Disease mechanism: loss of function.

Submission:

Myriad Genetics, Inc.
Classification: Likely benign for Familial cancer of breast. Last evaluated: 2024-08-09. Review status: criteria provided, single submitter. Criteria: Myriad Autosomal Dominant, Autosomal Recessive and X-Linked Classification Criteria (2023). Collection method: clinical testing. Allele origin: unknown.
Comment: This variant is considered likely benign. This variant is intronic and is not expected to impact mRNA splicing.